The following is an entry in ClinVar:

ClinVar aggregate classification (germline): Likely benign (1 of 4 stars; one submission).

Allele frequency attached by ClinVar (database versions not stated): 1000 Genomes Project 0.00300; 1000 Genomes Project 30x 0.00312; TOPMed 0.00357; gnomAD 0.00362; ESP Exome Variant Server 0.00503; gnomAD exomes 0.00532; ExAC 0.00547.
gnomAD v4.1: 8,258 of 1,612,712 alleles (0.51%); highest among the groups gnomAD compares: Middle Eastern, 1%; 36 homozygotes.

Submission:

CeGaT Center for Human Genetics Tuebingen
Classification: Likely benign. Last evaluated: 2022-06-01. Review status: criteria provided, single submitter. Criteria: CeGaT Center For Human Genetics Tuebingen Variant Classification Criteria Version 2. Collection method: clinical testing. Allele origin: germline. Affected: yes. Observed: 1 variant allele.
Comment: ZNF839: BP4, BP7, BS2

NM_018335.6(ZNF839):c.1014C>T (p.His338=)

Gene: ZNF839 (zinc finger protein 839; plus strand). Cytogenetic location: 14q32.31.
Variant type: single nucleotide variant.
Coding change: c.1014C>T on transcript NM_018335.6 (MANE Select); coding-DNA position 1014, C replaced by T.
Protein change: p.His338=; no amino-acid change (histidine 338 retained).
Molecular consequence: synonymous variant. On other transcripts: non-coding transcript variant (5).
Genome position (GRCh38, 1-based): chr14:102,326,710, C>T. VCF-style: chr14-102326710-C-T. GRCh37 (hg19) VCF-style: chr14-102793047-C-T.
Other names: c.666C>T, p.His222= (NM_001267827.2, NM_001267828.2, NM_001385069.1 and 5 more transcripts); c.1014C>T, p.His338= (NM_001385065.1, NM_001385072.1, NM_001385073.1).
Identifiers: ClinVar variation 2644580 (VCV002644580.24), dbSNP rs75766619, ClinGen allele CA7356561.